The following is an entry in ClinVar:

ClinVar aggregate classification (germline): Likely benign. Review status: criteria provided, single submitter (1 of 4 stars). 2 submissions from 2 submitters: Likely benign (1). 1 of the submissions does not count toward it. Last evaluated 2021-12-24.

Conditions:
HHAT-related disorder. Also called: HHAT-related condition.

Allele frequency attached by ClinVar (database versions not stated): TOPMed below 0.00001; gnomAD 0.00007; gnomAD exomes 0.00014; ExAC 0.00037; 1000 Genomes Project 30x 0.00078; 1000 Genomes Project 0.00100.
gnomAD v4.1: 216 of 1,613,878 alleles (0.013%); highest among the groups gnomAD compares: South Asian, 0.22%; 1 homozygote.

Submissions (2):

Labcorp Genetics (formerly Invitae), Labcorp
Classification: Likely benign. Last evaluated: 2021-12-24. Review status: criteria provided, single submitter. Criteria: Invitae Variant Classification Sherloc (09022015). Collection method: clinical testing. Allele origin: germline.

PreventionGenetics, part of Exact Sciences
Classification: Likely benign for HHAT-related condition. Last evaluated: 2023-08-22. Review status: no assertion criteria provided. Collection method: clinical testing. Allele origin: germline. Not counted in ClinVar's aggregate classification.
Comment: This variant is classified as likely benign based on ACMG/AMP sequence variant interpretation guidelines (Richards et al. 2015 PMID: 25741868, with internal and published modifications).

NM_018194.6(HHAT):c.789C>A (p.His263Gln)

Gene: HHAT (hedgehog acyltransferase; plus strand). Cytogenetic location: 1q32.2.
Variant type: single nucleotide variant.
Coding change: c.789C>A on transcript NM_018194.6 (MANE Select); coding-DNA position 789, C replaced by A.
Protein change: p.His263Gln; replaces histidine 263 with glutamine.
Molecular consequence: missense variant.
Genome position (GRCh38, 1-based): chr1:210,418,258, C>A. VCF-style: chr1-210418258-C-A. GRCh37 (hg19) VCF-style: chr1-210591602-C-A.
Other names: c.789C>A (NM_018194.5); c.789C>A, p.His263Gln (NM_001122834.4, NM_001170580.3); c.378C>A, p.His126Gln (NM_001170564.3); c.792C>A, p.His264Gln (NM_001170587.3); c.594C>A, p.His198Gln (NM_001170588.3); short protein forms H264Q, H198Q, H263Q, H126Q.
Identifiers: ClinVar variation 2145610 (VCV002145610.6), dbSNP rs576213719, ClinGen allele CA1379243.